The following is an entry in ClinVar:

ClinVar aggregate classification (germline): Uncertain significance (1 of 4 stars; one submission).

Submission:

Labcorp Genetics (formerly Invitae), Labcorp
Classification: Uncertain significance. Last evaluated: 2025-07-22. Review status: criteria provided, single submitter. Criteria: Invitae Variant Classification Sherloc (09022015). Collection method: clinical testing. Allele origin: germline.
Comment: This sequence change replaces arginine, which is basic and polar, with tryptophan, which is neutral and slightly polar, at codon 304 of the KRT17 protein (p.Arg304Trp). This variant is present in population databases (no rsID available, gnomAD 0.01%). This variant has not been reported in the literature in individuals affected with KRT17-related conditions. Invitae Evidence Modeling of protein sequence and biophysical properties (such as structural, functional, and spatial information, amino acid conservation, physicochemical variation, residue mobility, and thermodynamic stability) has been performed for this missense variant. However, the output from this modeling did not meet the statistical confidence thresholds required to predict the impact of this variant on KRT17 protein function. In summary, the available evidence is currently insufficient to determine the role of this variant in disease. Therefore, it has been classified as a Variant of Uncertain Significance.

NM_000422.3(KRT17):c.910C>T (p.Arg304Trp)

Gene: KRT17 (keratin 17; minus strand). Cytogenetic location: 17q21.2.
Variant type: single nucleotide variant.
Coding change: c.910C>T on transcript NM_000422.3 (MANE Select); coding-DNA position 910, C replaced by T.
Protein change: p.Arg304Trp; replaces arginine 304 with tryptophan.
Molecular consequence: missense variant.
Genome position (GRCh38, 1-based): chr17:41,621,016, G>A on the plus strand (C>T on the coding strand, the complement: KRT17 is on the minus strand). VCF-style: chr17-41621016-G-A. GRCh37 (hg19) VCF-style: chr17-39777268-G-A.
Other names: short protein forms R304W.
Identifiers: ClinVar variation 4707081 (VCV004707081.1).